The following is an entry in ClinVar:

ClinVar aggregate classification (germline): Likely benign. Review status: criteria provided, multiple submitters, no conflicts (2 of 4 stars). 4 submissions from 4 submitters: Likely benign (4). Last evaluated 2026-07-01.

Allele frequency attached by ClinVar (database versions not stated): gnomAD exomes 0.00005; ExAC 0.00007; gnomAD 0.00007 and 0.00008; TOPMed 0.00008; 1000 Genomes Project 30x 0.00016; 1000 Genomes Project 0.00020.
gnomAD v4.1: 101 of 1,614,088 alleles (0.0063%); highest among the groups gnomAD compares: East Asian, 0.013%; no homozygotes.

Submissions (4):

CeGaT Center for Human Genetics Tuebingen
Classification: Likely benign. Last evaluated: 2026-07-01. Review status: criteria provided, single submitter. Criteria: CeGaT Center For Human Genetics Tuebingen Variant Classification Criteria Version 2. Collection method: clinical testing. Allele origin: germline. Affected: yes. Observed: 3 variant alleles.
Comment: ERCC5: BP4, BP7

Blueprint Genetics
Classification: Likely benign. Last evaluated: 2024-05-03. Review status: criteria provided, single submitter. Criteria: ACMG Guidelines, 2015. Collection method: clinical testing. Allele origin: germline.

Labcorp Genetics (formerly Invitae), Labcorp
Classification: Likely benign. Last evaluated: 2022-08-25. Review status: criteria provided, single submitter. Criteria: Invitae Variant Classification Sherloc (09022015). Collection method: clinical testing. Allele origin: germline.

GeneDx
Classification: Likely benign. Last evaluated: 2019-03-19. Review status: criteria provided, single submitter. Criteria: GeneDx Variant Classification Process June 2021. Collection method: clinical testing. Allele origin: germline. Affected: yes.
Comment: See Variant Classification Assertion Criteria.

NM_000123.4(ERCC5):c.1911C>T (p.Ala637=)

Genes: BIVM-ERCC5 (BIVM-ERCC5 readthrough; plus strand), ERCC5 (ERCC excision repair 5, endonuclease; plus strand). Cytogenetic location: 13q33.1.
Variant type: single nucleotide variant.
Coding change: c.1911C>T on transcript NM_000123.4 (MANE Select); coding-DNA position 1911, C replaced by T.
Protein change: p.Ala637=; no amino-acid change (alanine 637 retained).
Molecular consequence: synonymous variant.
Genome position (GRCh38, 1-based): chr13:102,863,060, C>T. VCF-style: chr13-102863060-C-T. GRCh37 (hg19) VCF-style: chr13-103515410-C-T.
Other names: c.3273C>T, p.Ala1091= (NM_001204425.2).
Identifiers: ClinVar variation 718953 (VCV000718953.34), dbSNP rs569227686, ClinGen allele CA7041477.